The following is an entry in ClinVar:

ClinVar aggregate classification (germline): Uncertain significance (1 of 4 stars; one submission).

Conditions:
Intellectual disability, autosomal recessive 53 (NEDHSCA). Also called: Mental retardation, autosomal recessive 53; GLYCOSYLPHOSPHATIDYLINOSITOL BIOSYNTHESIS DEFECT 13; NEURODEVELOPMENTAL DISORDER WITH OR WITHOUT HYPOTONIA, SEIZURES, AND CEREBELLAR ATROPHY. Identifiers: Orphanet 488635, MedGen C4310794, MONDO:0014832, OMIM 616917.

Allele frequency attached by ClinVar (database versions not stated): gnomAD exomes below 0.00001 and 0.00001; gnomAD 0.00001; TOPMed 0.00001; ExAC 0.00002; 1000 Genomes Project 0.00020; 1000 Genomes Project 30x 0.00031.
gnomAD v4.1: 9 of 1,608,900 alleles (0.00056%); highest among the groups gnomAD compares: South Asian, 0.0066%; no homozygotes.

Submission:

Labcorp Genetics (formerly Invitae), Labcorp
Classification: Uncertain significance for Intellectual disability, autosomal recessive 53. Last evaluated: 2019-12-11. Review status: criteria provided, single submitter. Criteria: Invitae Variant Classification Sherloc (09022015). Collection method: clinical testing. Allele origin: germline.
Comment: Algorithms developed to predict the effect of sequence changes on RNA splicing suggest that this variant may create or strengthen a splice site, but this prediction has not been confirmed by published transcriptional studies. Algorithms developed to predict the effect of missense changes on protein structure and function (SIFT, PolyPhen-2, Align-GVGD) all suggest that this variant is likely to be disruptive, but these predictions have not been confirmed by published functional studies and their clinical significance is uncertain. This variant has not been reported in the literature in individuals with PIGG-related conditions. This variant is present in population databases (rs530918336, ExAC 0.01%). This sequence change replaces glycine with valine at codon 26 of the PIGG protein (p.Gly26Val). The glycine residue is highly conserved and there is a moderate physicochemical difference between glycine and valine. In summary, the available evidence is currently insufficient to determine the role of this variant in disease. Therefore, it has been classified as a Variant of Uncertain Significance.

NM_001127178.3(PIGG):c.77G>T (p.Gly26Val)

Gene: PIGG (phosphatidylinositol glycan anchor biosynthesis class G (EMM blood group); plus strand). Cytogenetic location: 4p16.3.
Variant type: single nucleotide variant.
Coding change: c.77G>T on transcript NM_001127178.3 (MANE Select); coding-DNA position 77, G replaced by T.
Protein change: p.Gly26Val; replaces glycine 26 with valine.
Molecular consequence: missense variant. On other transcripts: 5 prime UTR variant (9), non-coding transcript variant (10), intron variant (1).
Genome position (GRCh38, 1-based): chr4:499,412, G>T. VCF-style: chr4-499412-G-T. GRCh37 (hg19) VCF-style: chr4-493201-G-T.
Other names: c.-427G>T (NM_001289057.2, NM_001345986.2, NM_001345987.2); c.77G>T, p.Gly26Val (NM_001289052.2, NM_001345989.2, NM_017733.5); c.-749G>T (NM_001289053.2); c.-360G>T (NM_001289055.2); c.-1047G>T (NM_001345988.2); c.-1549G>T (NM_001345990.2); c.-1647G>T (NM_001345991.2); c.-1372G>T (NM_001345994.2); and 1 more; short protein forms G26V.
Identifiers: ClinVar variation 860858 (VCV000860858.8), dbSNP rs530918336, ClinGen allele CA2792880.